The following is an entry in ClinVar:

NM_003742.4(ABCB11):c.408C>T (p.Ser136=)

Gene: ABCB11 (ATP binding cassette subfamily B member 11; minus strand). Cytogenetic location: 2q31.1.
Variant type: single nucleotide variant.
Coding change: c.408C>T on transcript NM_003742.4 (MANE Select); coding-DNA position 408, C replaced by T.
Protein change: p.Ser136=; no amino-acid change (serine 136 retained).
Molecular consequence: synonymous variant.
Genome position (GRCh38, 1-based): chr2:168,996,704, G>A on the plus strand (C>T on the coding strand, the complement: ABCB11 is on the minus strand). VCF-style: chr2-168996704-G-A. GRCh37 (hg19) VCF-style: chr2-169853214-G-A.
Other names: p.Ser136=; c.408C>T, p.Ser136= (LRG_1199t1).
Identifiers: ClinVar variation 289974 (VCV000289974.58), dbSNP rs183214630, ClinGen allele CA1951893.
Genomic context (GRCh38, chr2:168,996,704, plus strand): 5'-TCCTGTGATAAGTACTGCGACAGCAATTCCAGCATAGTAACTGGCAAATTTGATCATTTC[G>A]CTCTCGATGTTCAGCAACCTTCAAAAGAGGGAAAAGAATGTTCAGACTTGCAAGTAGGAT-3'
Protein context (NP_003733.2, residues 126-146): GTRCGLLNIE[Ser136=]EMIKFASYYA

ClinVar aggregate classification (germline): Conflicting classifications of pathogenicity. Review status: criteria provided, conflicting classifications (1 of 4 stars). 9 submissions from 9 submitters: Uncertain significance (1); Benign (1); Likely benign (5). 2 of the submissions do not count toward it. Last evaluated 2026-08-01.

Conditions:
Progressive familial intrahepatic cholestasis type 2. Identifiers: Orphanet 79304, MedGen C3489789, MONDO:0011156, OMIM 601847.
ABCB11-related disorder. Also called: ABCB11-related condition.
Familial intrahepatic cholestasis. Identifiers: Orphanet 284385, MedGen CN296401, MONDO:0017290.

Allele frequency attached by ClinVar (database versions not stated): gnomAD 0.00083 and 0.00092; 1000 Genomes Project 30x 0.00094; 1000 Genomes Project 0.00100; TOPMed 0.00104; gnomAD exomes 0.00038 and 0.00016; ESP Exome Variant Server 0.00075; ExAC 0.00082.
gnomAD v4.1: 358 of 1,563,264 alleles (0.023%); highest among the groups gnomAD compares: African/African-American, 0.24%; no homozygotes.

Submissions (9):

CeGaT Center for Human Genetics Tuebingen
Classification: Likely benign. Last evaluated: 2026-08-01. Review status: criteria provided, single submitter. Criteria: CeGaT Center For Human Genetics Tuebingen Variant Classification Criteria Version 2. Collection method: clinical testing. Allele origin: germline. Affected: yes. Observed: 2 variant alleles.
Comment: ABCB11: BP4, BP7

Genomenon, Inc
Classification: Likely benign for Familial intrahepatic cholestasis. Last evaluated: 2026-04-14. Review status: criteria provided, single submitter. Criteria: Genomenon Sequence Variant Interpretation Standards - Updated. Collection method: curation. Allele origin: germline. Affected: no.
Comment: ABCB11 c.408C>T is a synonymous variant that retains Serine at residue 136. This variant has been reported in the published literature (PMID:22795478). This synonymous variant is not predicted to impact splicing. This variant's allele frequency in gnomAD is greater than expected for this disorder. In conclusion, we classify ABCB11 p.Ser136= (c.408C>T) as a likely benign variant.

Labcorp Genetics (formerly Invitae), Labcorp
Classification: Benign. Last evaluated: 2026-02-04. Review status: criteria provided, single submitter. Criteria: Invitae Variant Classification Sherloc (09022015). Collection method: clinical testing. Allele origin: germline.

Mayo Clinic Laboratories, Mayo Clinic
Classification: Likely benign. Last evaluated: 2025-10-28. Review status: criteria provided, single submitter. Criteria: ACMG Guidelines, 2015. Collection method: clinical testing. Allele origin: germline. Observed: 3 variant alleles.
Comment: BS1, BP4, BP7

Eurofins Ntd Llc (ga)
Classification: Uncertain significance. Last evaluated: 2018-08-03. Review status: criteria provided, single submitter. Criteria: EGL ClinVar v180209 classification definitions. Collection method: clinical testing. Allele origin: germline. Observed: 8 variant alleles, 8 heterozygotes.

Illumina Laboratory Services, Illumina
Classification: Likely benign for Progressive familial intrahepatic cholestasis type 2. Last evaluated: 2018-01-13. Review status: criteria provided, single submitter. Criteria: ICSL Variant Classification Criteria 13 December 2019. Collection method: clinical testing. Allele origin: germline.
Comment: This variant was observed in the ICSL laboratory as part of a predisposition screen in an ostensibly healthy population. It had not been previously curated by ICSL or reported in the Human Gene Mutation Database (HGMD: prior to June 1st, 2018), and was therefore a candidate for classification through an automated scoring system. Utilizing variant allele frequency, disease prevalence and penetrance estimates, and inheritance mode, an automated score was calculated to assess if this variant is too frequent to cause the disease. Based on the score and internal cut-off values, a variant classified as likely benign is not then subjected to further curation. The score for this variant resulted in a classification of likely benign for this disease.

GeneDx
Classification: Likely benign. Last evaluated: 2017-10-02. Review status: criteria provided, single submitter. Criteria: GeneDx Variant Classification (06012015). Collection method: clinical testing. Allele origin: germline. Affected: yes.
Comment: This variant is considered likely benign or benign based on one or more of the following criteria: it is a conservative change, it occurs at a poorly conserved position in the protein, it is predicted to be benign by multiple in silico algorithms, and/or has population frequency not consistent with disease.

PreventionGenetics, part of Exact Sciences
Classification: Likely benign for ABCB11-related condition. Last evaluated: 2021-01-05. Review status: no assertion criteria provided. Collection method: clinical testing. Allele origin: germline. Not counted in ClinVar's aggregate classification.
Comment: This variant is classified as likely benign based on ACMG/AMP sequence variant interpretation guidelines (Richards et al. 2015 PMID: 25741868, with internal and published modifications).

Natera, Inc.
Classification: Likely benign for Progressive familial intrahepatic cholestasis type 2. Last evaluated: 2020-01-12. Review status: no assertion criteria provided. Collection method: clinical testing. Allele origin: germline. Not counted in ClinVar's aggregate classification.

Literature cited by the submitters: PubMed 22795478 (cited by Genomenon, Inc and Mayo Clinic Laboratories, Mayo Clinic).